The following is an entry in ClinVar:

GRCh37/hg19 15q13.2-13.3(chr15:30913573-32914239)x1

Genes: ARHGAP11A (Rho GTPase activating protein 11A; plus strand), ARHGAP11B (Rho GTPase activating protein 11B), CHRNA7 (cholinergic receptor nicotinic alpha 7 subunit), FAN1 (FANCD2 and FANCI associated nuclease 1; plus strand), GOLGA8N (golgin A8 family member N; plus strand) and 6 more. Cytogenetic location: 15q13.2-13.3.
Variant type: copy number loss.
Change: copy number 1 (one copy instead of two) of chr15:30,913,573-32,914,239 (2.00 Mb, GRCh37 coordinates, 1-based), cytogenetic band 15q13.2-13.3.
Identifiers: ClinVar variation 564180 (VCV000564180.3).

ClinVar aggregate classification (germline): Pathogenic (1 of 4 stars; one submission).

Submission:

Quest Diagnostics Nichols Institute San Juan Capistrano
Classification: Pathogenic. Last evaluated: 2022-10-04. Review status: criteria provided, single submitter. Criteria: ACMG/ClinGen CNV Guidelines, 2019. Collection method: clinical testing. Allele origin: unknown.
Comment: This deletion encompasses the recurrent deletion interval (BP4-BP5, includes CHRNA7) associated with chromosome 15q13.3 deletion syndrome (OMIM 612001). The syndrome is associated with a broad range of clinical features (Gillentine et al., J Hum Genet. 2018 Jul;63(7):795-801., PMID: 29691480; Lowther et al., Genet Med. 2015 Feb;17(2):149-57. PMID: 25077648; Sharp, et. al, Nat Genet. 2008 Mar;40(3):322-8. PMID: 18278044; Hassfurther et al., Mol Syndromol. 2016 Feb;6(5):222-8. PMID: 26997942; Hoppman-Chaney et al., Clin Genet. 2013 Apr;83(4):345-51., PMID: 22775350). Inheritance from a normal or mildly affected parent has been reported, suggesting incomplete penetrance and variable expressivity. See GeneReviews for additional information and references.